The following is an entry in ClinVar:

ClinVar aggregate classification (germline): Uncertain significance (1 of 4 stars; one submission).

Conditions:
Early-infantile DEE. Also called: Early infantile epileptic encephalopathy with suppression bursts; Early infantile epileptic encephalopathy; Ohtahara syndrome. Identifiers: Orphanet 1934, MedGen C0393706, MONDO:0800491.

Submission:

Labcorp Genetics (formerly Invitae), Labcorp
Classification: Uncertain significance for Early-infantile DEE. Last evaluated: 2023-09-30. Review status: criteria provided, single submitter. Criteria: Invitae Variant Classification Sherloc (09022015). Collection method: clinical testing. Allele origin: germline.
Comment: This sequence change replaces alanine, which is neutral and non-polar, with serine, which is neutral and polar, at codon 1714 of the SPTAN1 protein (p.Ala1714Ser). This variant is not present in population databases (gnomAD no frequency). This variant has not been reported in the literature in individuals affected with SPTAN1-related conditions. Advanced modeling of protein sequence and biophysical properties (such as structural, functional, and spatial information, amino acid conservation, physicochemical variation, residue mobility, and thermodynamic stability) has been performed at Invitae for this missense variant, however the output from this modeling did not meet the statistical confidence thresholds required to predict the impact of this variant on SPTAN1 protein function. In summary, the available evidence is currently insufficient to determine the role of this variant in disease. Therefore, it has been classified as a Variant of Uncertain Significance.

NM_001130438.3(SPTAN1):c.5140G>T (p.Ala1714Ser)

Gene: SPTAN1 (spectrin alpha, non-erythrocytic 1; plus strand). Cytogenetic location: 9q34.11.
Variant type: single nucleotide variant.
Coding change: c.5140G>T on transcript NM_001130438.3 (MANE Select); coding-DNA position 5140, G replaced by T.
Protein change: p.Ala1714Ser; replaces alanine 1714 with serine.
Molecular consequence: missense variant.
Genome position (GRCh38, 1-based): chr9:128,613,477, G>T. VCF-style: chr9-128613477-G-T. GRCh37 (hg19) VCF-style: chr9-131375756-G-T.
Other names: c.5140G>T, p.Ala1714Ser (NM_001363759.2, NM_001375310.1, NM_001375311.2 and 1 more transcripts); c.5080G>T, p.Ala1694Ser (NM_001363765.2, NM_001375314.2); c.5065G>T, p.Ala1689Ser (NM_001195532.2); c.5176G>T, p.Ala1726Ser (NM_001375312.2, NM_001375318.1); c.5125G>T, p.Ala1709Ser (NM_003127.4); short protein forms A1694S, A1726S, A1689S, A1709S, A1714S.
Identifiers: ClinVar variation 2958273 (VCV002958273.3), dbSNP rs1856789445, ClinGen allele CA375072992.